The following is an entry in ClinVar:

NM_000540.3(RYR1):c.6628G>A (p.Val2210Ile)

Gene: RYR1 (ryanodine receptor 1; plus strand). Cytogenetic location: 19q13.2.
Variant type: single nucleotide variant.
Coding change: c.6628G>A on transcript NM_000540.3 (MANE Select); coding-DNA position 6628, G replaced by A.
Protein change: p.Val2210Ile; replaces valine 2210 with isoleucine.
Molecular consequence: missense variant.
Genome position (GRCh38, 1-based): chr19:38,496,294, G>A. VCF-style: chr19-38496294-G-A. GRCh37 (hg19) VCF-style: chr19-38986934-G-A.
Other names: c.6628G>A, p.Val2210Ile (NM_001042723.2); short protein forms V2210I.
Identifiers: ClinVar variation 3072134 (VCV003072134.1), dbSNP rs193922792, ClinGen allele CA405665972.

ClinVar aggregate classification (germline): Uncertain significance (1 of 4 stars; one submission).

Conditions:
Malignant hyperthermia, susceptibility to, 1 (MHS1). Also called: Anesthesia related hyperthermia; Malignant hyperpyrexia; Fulminating hyperpyrexia; Pharmacogenic myopathy; RYR1-Related Malignant Hyperthermia Susceptibility; Malignant hyperthermia suceptibility 1. Identifiers: Orphanet 423, MedGen C2930980, MONDO:0007783, OMIM 145600.

gnomAD v4.1: 6 of 1,614,046 alleles (0.00037%); highest among the groups gnomAD compares: Non-Finnish European, 0.00051%; no homozygotes.

Submission:

All of Us Research Program, National Institutes of Health
Classification: Uncertain significance for Malignant hyperthermia, susceptibility to, 1. Last evaluated: 2023-06-26. Review status: criteria provided, single submitter. Criteria: ACMG Guidelines, 2015. Collection method: clinical testing. Allele origin: germline. Inheritance: Autosomal dominant inheritance. Observed: 1 variant allele, 1 heterozygote.
Comment: This missense variant replaces valine with isoleucine at codon 2210 of the RYR1 protein. Computational prediction is inconclusive regarding the impact of this variant on protein structure and function (internally defined REVEL score threshold 0.5 < inconclusive < 0.7, PMID: 27666373). To our knowledge, functional studies have not been reported for this variant. This variant has not been reported in individuals affected with RYR1-related disorders in the literature. This variant has not been identified in the general population by the Genome Aggregation Database (gnomAD). The available evidence is insufficient to determine the role of this variant in disease conclusively. Therefore, this variant is classified as a Variant of Uncertain Significance.

This study involves interpretation of variants in research participants for the purpose of population health screening. Participant phenotype was not available at the time of variant classification. Additional details can be found in publication PMID: 35346344, PMCID: PMC8962531